The following is an entry in ClinVar:

ClinVar aggregate classification (germline): Benign/Likely benign. Review status: criteria provided, multiple submitters, no conflicts (2 of 4 stars). 4 submissions from 4 submitters: Benign (1); Likely benign (3). Last evaluated 2025-10-03.

Allele frequency attached by ClinVar (database versions not stated): gnomAD 0.00019 and 0.00020; TOPMed 0.00022; gnomAD exomes 0.00024 and 0.00049; ESP Exome Variant Server 0.00031; ExAC 0.00045.
gnomAD v4.1: 407 of 1,613,586 alleles (0.025%); highest among the groups gnomAD compares: Middle Eastern, 0.16%; 2 homozygotes.

Submissions (4):

Labcorp Genetics (formerly Invitae), Labcorp
Classification: Benign. Last evaluated: 2025-10-03. Review status: criteria provided, single submitter. Criteria: Invitae Variant Classification Sherloc (09022015). Collection method: clinical testing. Allele origin: germline.

CeGaT Center for Human Genetics Tuebingen
Classification: Likely benign. Last evaluated: 2025-05-01. Review status: criteria provided, single submitter. Criteria: CeGaT Center For Human Genetics Tuebingen Variant Classification Criteria Version 2. Collection method: clinical testing. Allele origin: germline. Affected: yes. Observed: 4 variant alleles.
Comment: DOCK6: BP4, BP7

Blueprint Genetics
Classification: Likely benign. Last evaluated: 2024-10-24. Review status: criteria provided, single submitter. Criteria: ACMG Guidelines, 2015. Collection method: clinical testing. Allele origin: germline.

Breakthrough Genomics
Classification: Likely benign. Review status: criteria provided, single submitter. Criteria: ACMG Guidelines, 2015. Collection method: not provided. Allele origin: germline. Inheritance: Autosomal recessive inheritance. Affected: yes.

NM_020812.4(DOCK6):c.3873C>T (p.Cys1291=)

Genes: DOCK6 (dedicator of cytokinesis 6; minus strand), DOCK6-AS1 (DOCK6 antisense RNA 1; plus strand). Cytogenetic location: 19p13.2.
Variant type: single nucleotide variant.
Coding change: c.3873C>T on transcript NM_020812.4 (MANE Select); coding-DNA position 3873, C replaced by T.
Protein change: p.Cys1291=; no amino-acid change (cysteine 1291 retained).
Molecular consequence: synonymous variant.
Genome position (GRCh38, 1-based): chr19:11,216,935, G>A on the plus strand (C>T on the coding strand, the complement: DOCK6 is on the minus strand). VCF-style: chr19-11216935-G-A. GRCh37 (hg19) VCF-style: chr19-11327611-G-A.
Other names: c.3978C>T, p.Cys1326= (NM_001367830.1).
Identifiers: ClinVar variation 754942 (VCV000754942.38), dbSNP rs200843111, ClinGen allele CA9207100.
Genomic context (GRCh38, chr19:11,216,935, plus strand): 5'-GCCTGCCTCCTCCATCATCTCCTGCCCACGCCCTCAAACCTTGTACTCAAAGGCAGCTAG[G>A]CAAAGGTACAGCAAATCCAACAGACGTCCCAGCTGGGGGAGTGTCAGGTCAGTGGCCCAG-3'
Protein context (NP_065863.2, residues 1281-1301): LGRLLDLLYL[Cys1291=]LAAFEYKGKK